The following is an entry in ClinVar:

NM_001003800.2(BICD2):c.1428T>G (p.Ala476=)

Gene: BICD2 (BICD cargo adaptor 2; minus strand). Cytogenetic location: 9q22.31.
Variant type: single nucleotide variant.
Coding change: c.1428T>G on transcript NM_001003800.2 (MANE Select); coding-DNA position 1428, T replaced by G.
Protein change: p.Ala476=; no amino-acid change (alanine 476 retained).
Molecular consequence: synonymous variant.
Genome position (GRCh38, 1-based): chr9:92,719,217, A>C on the plus strand (T>G on the coding strand, the complement: BICD2 is on the minus strand). VCF-style: chr9-92719217-A-C. GRCh37 (hg19) VCF-style: chr9-95481499-A-C.
Other names: c.1428T>G (NM_001003800.1); c.1428T>G, p.Ala476= (NM_015250.4).
Identifiers: ClinVar variation 2164311 (VCV002164311.5), dbSNP rs1587669044, ClinGen allele CA466342974.

ClinVar aggregate classification (germline): Conflicting classifications of pathogenicity. Review status: criteria provided, conflicting classifications (1 of 4 stars). 2 submissions from 2 submitters: Uncertain significance (1); Likely benign (1). Last evaluated 2025-12-28.

Conditions:
Autosomal dominant childhood-onset proximal spinal muscular atrophy with contractures (SMALED2A). Also called: Spinal muscular atrophy, lower extremity-predominant, 2A, autosomal dominant; SPINAL MUSCULAR ATROPHY, LOWER EXTREMITY-PREDOMINANT, 2A, CHILDHOOD ONSET, AUTOSOMAL DOMINANT. Identifiers: Orphanet 363447, Orphanet 363454, MedGen C4747715, MONDO:0014121, OMIM 615290.

Allele frequency attached by ClinVar (database versions not stated): gnomAD exomes below 0.00001; TOPMed 0.00001.
gnomAD v4.1: 1 of 1,611,286 alleles (0.000062%); highest among the groups gnomAD compares: Admixed American, 0.0017%; no homozygotes.

Submissions (2):

Labcorp Genetics (formerly Invitae), Labcorp
Classification: Likely benign for Autosomal dominant childhood-onset proximal spinal muscular atrophy with contractures. Last evaluated: 2025-12-28. Review status: criteria provided, single submitter. Criteria: Invitae Variant Classification Sherloc (09022015). Collection method: clinical testing. Allele origin: germline.

Athena Diagnostics
Classification: Uncertain significance. Last evaluated: 2022-11-16. Review status: criteria provided, single submitter. Criteria: Athena Diagnostics Criteria. Collection method: clinical testing. Allele origin: unknown.
Comment: Available data are insufficient to determine the clinical significance of the variant at this time. This variant has not been reported in large, multi-ethnic general populations. Computational tools yielded predictions that this variant is unlikely to have an effect on normal RNA splicing.